The following is an entry in ClinVar:

NM_017514.5(PLXNA3):c.3898C>T (p.Arg1300Trp)

Gene: PLXNA3 (plexin A3; plus strand). Cytogenetic location: Xq28.
Variant type: single nucleotide variant.
Coding change: c.3898C>T on transcript NM_017514.5 (MANE Select); coding-DNA position 3898, C replaced by T.
Protein change: p.Arg1300Trp; replaces arginine 1300 with tryptophan.
Molecular consequence: missense variant.
Genome position (GRCh38, 1-based): chrX:154,468,159, C>T. VCF-style: chrX-154468159-C-T. GRCh37 (hg19) VCF-style: chrX-153696502-C-T.
Other names: short protein forms R1300W.
Identifiers: ClinVar variation 3357119 (VCV003357119.1).

ClinVar aggregate classification (germline): Uncertain significance (0 of 4 stars; one submission).

Conditions:
PLXNA3-related disorder. Also called: PLXNA3-related condition.

gnomAD v4.1: 3 of 1,189,568 alleles (0.00025%); highest among the groups gnomAD compares: South Asian, 0.0019%; no homozygotes.

Submission:

PreventionGenetics, part of Exact Sciences
Classification: Uncertain significance for PLXNA3-related condition. Last evaluated: 2024-02-09. Review status: no assertion criteria provided. Collection method: clinical testing. Allele origin: germline.
Comment: The PLXNA3 c.3898C>T variant is predicted to result in the amino acid substitution p.Arg1300Trp. To our knowledge, this variant has not been reported in the literature. This variant is reported in 0.0041% of alleles in individuals of European (Non-Finnish) descent in gnomAD. At this time, the clinical significance of this variant is uncertain due to the absence of conclusive functional and genetic evidence.